The following is an entry in ClinVar:

NM_000535.7(PMS2):c.2174+4_2174+7del

Gene: PMS2 (PMS1 homolog 2, mismatch repair system component; minus strand). Cytogenetic location: 7p22.1.
Variant type: Deletion.
Coding change: c.2174+4_2174+7del on transcript NM_000535.7 (MANE Select); bases 4 to 7 of the intron after coding-DNA position 2174, 4 bases deleted (AGTG; older notation c.2174+4_2174+7delAGTG).
Molecular consequence: splice donor variant. On other transcripts: intron variant (4).
Genome position (GRCh38, 1-based): chr7:5,982,817-5,982,820, CACT deleted on the plus strand (AGTG on the coding strand, the reverse complement: PMS2 is on the minus strand); deleting any 4 consecutive bases within chr7:5,982,817-5,982,823 gives the same sequence; the c. name uses the placement nearest the transcript's 3' end. VCF-style (leftmost placement, unchanged base first): chr7-5982816-ACACT-A. GRCh37 (hg19) VCF-style: chr7-6022447-ACACT-A.
Other names: c.1856+4_1856+7del (NM_001322008.2, NM_001406883.1, NM_001322007.2 and 1 more transcripts); c.1865+4_1865+7del (NM_001406881.1, NM_001406879.1, NM_001322015.2 and 5 more transcripts); c.1769+4_1769+7del (NM_001406895.1, NM_001322004.2, NM_001406889.1 and 14 more transcripts); c.1403+4_1403+7del (NM_001406911.1); c.1613+4_1613+7del (NM_001322010.2, NM_001406906.1, NM_001406907.1); c.1700+4_1700+7del (NM_001406902.1, NM_001406901.1); c.1661+4_1661+7del (NM_001406904.1, NM_001406905.1); c.1601+4_1601+7del (NM_001322013.2, NM_001406909.1); and 16 more.
Identifiers: ClinVar variation 4716543 (VCV004716543.1).
Genomic context (GRCh38, chr7:5,982,816, plus strand): 5'-CCTGCCTTGGCCTCTATTAGATCTTCAATTTGAGGGGGAGTCTGGGAATGAACACTAAAC[ACACT>A]CACGCTATGAGCCTCTGCCCCTGGAGCACGGTGTGCTGCTGCAGCATCTCGAAGTTATAC-3'

ClinVar aggregate classification (germline): Uncertain significance (1 of 4 stars; one submission).

Conditions:
Hereditary nonpolyposis colorectal neoplasms. Identifiers: MedGen C0009405, MeSH D003123.

Submission:

Labcorp Genetics (formerly Invitae), Labcorp
Classification: Uncertain significance for Hereditary nonpolyposis colorectal neoplasms. Last evaluated: 2025-04-02. Review status: criteria provided, single submitter. Criteria: Invitae Variant Classification Sherloc (09022015). Collection method: clinical testing. Allele origin: germline.
Comment: This sequence change falls in intron 12 of the PMS2 gene. It does not directly change the encoded amino acid sequence of the PMS2 protein. It affects a nucleotide within the consensus splice site. The frequency data for this variant in the population databases (gnomAD) is considered unreliable due to the presence of homologous sequence, such as pseudogenes or paralogs, in the genome. This variant has not been reported in the literature in individuals affected with PMS2-related conditions. Variants that disrupt the consensus splice site are a relatively common cause of aberrant splicing (PMID: 17576681, 9536098). Algorithms developed to predict the effect of sequence changes on RNA splicing suggest that this variant may disrupt the consensus splice site. In summary, the available evidence is currently insufficient to determine the role of this variant in disease. Therefore, it has been classified as a Variant of Uncertain Significance.

Literature cited by the submitters: PubMed 17576681; PubMed 9536098.